The following is an entry in ClinVar:

NM_015001.3(SPEN):c.3455C>A (p.Ser1152Ter)

Gene: SPEN (spen family transcriptional repressor; plus strand). Cytogenetic location: 1p36.13.
Variant type: single nucleotide variant.
Coding change: c.3455C>A on transcript NM_015001.3 (MANE Select); coding-DNA position 3455, C replaced by A.
Protein change: p.Ser1152Ter; replaces serine 1152 with a stop codon.
Molecular consequence: nonsense.
Genome position (GRCh38, 1-based): chr1:15,929,695, C>A. VCF-style: chr1-15929695-C-A. GRCh37 (hg19) VCF-style: chr1-16256190-C-A.
Other names: short protein forms S1152*.
Identifiers: ClinVar variation 1315906 (VCV001315906.2), dbSNP rs2148738816, ClinGen allele CA338608004.

ClinVar aggregate classification (germline): Uncertain significance (1 of 4 stars; one submission).

Submission:

GeneDx
Classification: Uncertain significance. Last evaluated: 2019-11-07. Review status: criteria provided, single submitter. Criteria: GeneDx Variant Classification Process June 2021. Collection method: clinical testing. Allele origin: germline. Affected: yes.
Comment: Not observed in large population cohorts (Lek et al., 2016); Nonsense variant predicted to result in protein truncation or nonsense mediated decay in a gene for which loss-of-function is not a known mechanism of disease; Has not been previously published as pathogenic or benign to our knowledge; Variants in candidate genes are classified as variants of uncertain significance in accordance with ACMG guidelines (Richards et al., 2015)